The following is an entry in ClinVar:

NM_004553.6(NDUFS6):c.332C>T (p.Thr111Ile)

Gene: NDUFS6 (NADH:ubiquinone oxidoreductase subunit S6; plus strand). Cytogenetic location: 5p15.33.
Variant type: single nucleotide variant.
Coding change: c.332C>T on transcript NM_004553.6 (MANE Select); coding-DNA position 332, C replaced by T.
Protein change: p.Thr111Ile; replaces threonine 111 with isoleucine.
Molecular consequence: missense variant.
Genome position (GRCh38, 1-based): chr5:1,815,873, C>T. VCF-style: chr5-1815873-C-T. GRCh37 (hg19) VCF-style: chr5-1815987-C-T.
Other names: c.332C>T (NM_004553.3); short protein forms T111I.
Identifiers: ClinVar variation 2183970 (VCV002183970.2), dbSNP rs1017334604, ClinGen allele CA113035332.

ClinVar aggregate classification (germline): Uncertain significance. Review status: criteria provided, multiple submitters, no conflicts (2 of 4 stars). 2 submissions from 2 submitters: Uncertain significance (2). Last evaluated 2023-01-10.

Allele frequency attached by ClinVar (database versions not stated): gnomAD 0.00001; gnomAD exomes 0.00001; TOPMed 0.00001.
gnomAD v4.1: 15 of 1,614,142 alleles (0.00093%); highest among the groups gnomAD compares: Middle Eastern, 0.016%; no homozygotes.

Submissions (2):

GeneDx
Classification: Uncertain significance. Last evaluated: 2023-01-10. Review status: criteria provided, single submitter. Criteria: GeneDx Variant Classification Process June 2021. Collection method: clinical testing. Allele origin: germline. Affected: yes.
Comment: Not observed at significant frequency in large population cohorts (gnomAD); In silico analysis supports that this missense variant has a deleterious effect on protein structure/function; Has not been previously published as pathogenic or benign to our knowledge

Labcorp Genetics (formerly Invitae), Labcorp
Classification: Uncertain significance. Last evaluated: 2022-08-17. Review status: criteria provided, single submitter. Criteria: Invitae Variant Classification Sherloc (09022015). Collection method: clinical testing. Allele origin: germline.
Comment: This sequence change replaces threonine, which is neutral and polar, with isoleucine, which is neutral and non-polar, at codon 111 of the NDUFS6 protein (p.Thr111Ile). This variant is present in population databases (no rsID available, gnomAD 0.006%). This variant has not been reported in the literature in individuals affected with NDUFS6-related conditions. Algorithms developed to predict the effect of missense changes on protein structure and function are either unavailable or do not agree on the potential impact of this missense change (SIFT: "Tolerated"; PolyPhen-2: "Probably Damaging"; Align-GVGD: "Class C0"). In summary, the available evidence is currently insufficient to determine the role of this variant in disease. Therefore, it has been classified as a Variant of Uncertain Significance.